The following is an entry in ClinVar:

ClinVar aggregate classification (germline): Likely pathogenic. Review status: criteria provided, single submitter (1 of 4 stars). 4 submissions from 4 submitters: Likely pathogenic (1). 3 of the submissions do not count toward it. Last evaluated 2024-11-27.

Conditions:
Rolandic epilepsy-paroxysmal exercise-induced dystonia-writer's cramp syndrome. Also called: TBC1D24-Related Rolandic Epilepsy with Paroxysmal Exercise-Induced Dystonia and Writer's Cramp (EPRPDC); RE-PED-WC. Identifiers: Orphanet 163727, MedGen C1842531, MONDO:0011970, OMIM 608105.

Allele frequency attached by ClinVar (database versions not stated): gnomAD 0.00001; TOPMed below 0.00001.
gnomAD v4.1: 13 of 1,610,106 alleles (0.00081%); highest among the groups gnomAD compares: South Asian, 0.0011%; no homozygotes.

Submissions (4):

GeneDx
Classification: Likely pathogenic. Last evaluated: 2024-11-27. Review status: criteria provided, single submitter. Criteria: GeneDx Variant Classification Process June 2021. Collection method: clinical testing. Allele origin: germline.
Comment: A different missense change at this residue (p.(R360C)) has been reported as pathogenic in the published literature and at GeneDx in association with a TBC1D24-related disorder (PMID: 28663785, 29933521); Not observed at significant frequency in large population cohorts (gnomAD); In silico analysis supports that this missense variant has a deleterious effect on protein structure/function; This variant is associated with the following publications: (PMID: 34341188, 28333917, 33929620, 32663648, 27527004, 35710456, 31257402, 28663785, 29933521)

Solve-RD Consortium
Classification: Likely pathogenic for Rolandic epilepsy-paroxysmal exercise-induced dystonia-writer's cramp syndrome. Last evaluated: 2022-06-01. Review status: no assertion criteria provided. Collection method: provider interpretation. Allele origin: inherited. Affected: yes. Not counted in ClinVar's aggregate classification.
Comment: Variant confirmed as disease-causing by referring clinical team

Variant identified during reanalysis of unsolved cases by the Solve-RD project. The Solve-RD project has received funding from the European Union’s Horizon 2020 research and innovation programme under grant agreement No 779257.

OMIM
Classification: Pathogenic for EPILEPSY, ROLANDIC, WITH PAROXYSMAL EXERCISE-INDUCED DYSTONIA AND WRITER'S CRAMP. Last evaluated: 2019-08-09. Review status: no assertion criteria provided. Collection method: literature only. Allele origin: germline. Not counted in ClinVar's aggregate classification.

Joint Genome Diagnostic Labs from Nijmegen and Maastricht, Radboudumc and MUMC+
Classification: Uncertain significance. Review status: no assertion criteria provided. Collection method: clinical testing. Allele origin: germline. Affected: yes. Not counted in ClinVar's aggregate classification.

Literature cited by the submitters: PubMed 39825153 (cited by Solve-RD Consortium); PubMed 31257402 (cited by OMIM).

NM_001199107.2(TBC1D24):c.1079G>A (p.Arg360His)

Gene: TBC1D24 (TBC1 domain family member 24; plus strand). Cytogenetic location: 16p13.3.
Variant type: single nucleotide variant.
Coding change: c.1079G>A on transcript NM_001199107.2 (MANE Select); coding-DNA position 1079, G replaced by A.
Protein change: p.Arg360His; replaces arginine 360 with histidine.
Molecular consequence: missense variant.
Genome position (GRCh38, 1-based): chr16:2,498,333, G>A. VCF-style: chr16-2498333-G-A. GRCh37 (hg19) VCF-style: chr16-2548334-G-A.
Other names: c.1061G>A (NM_020705.2); c.1061G>A, p.Arg354His (NM_020705.3); short protein forms R360H, R354H.
Identifiers: ClinVar variation 652619 (VCV000652619.7), dbSNP rs765965968, ClinGen allele CA7844150.
Genomic context (GRCh38, chr16:2,498,333, plus strand): 5'-TCCGCTCGGAGATCGTCAGCGTGAGGGAGATGAGAGACATCTGGTCCTGGGTCCCCGAGC[G>A]CTTTGCCCTGTGCCAGCCCCTTCTGCTGTTCTCCTCCCTGCAGCACGGGTACAGCCTGGC-3'
Protein context (NP_001186036.1, residues 350-370): MRDIWSWVPE[Arg360His]FALCQPLLLF